The following is an entry in ClinVar:

NM_152328.5(ADSS1):c.193-4956C>A

Gene: ADSS1 (adenylosuccinate synthase 1; plus strand). Cytogenetic location: 14q32.33.
Variant type: single nucleotide variant.
Coding change: c.193-4956C>A on transcript NM_152328.5 (MANE Select); 4956 bases into the intron before coding-DNA position 193, C replaced by A.
Molecular consequence: intron variant. On other transcripts: 5 prime UTR variant (1), missense variant (1).
Genome position (GRCh38, 1-based): chr14:104,730,064, C>A. VCF-style: chr14-104730064-C-A. GRCh37 (hg19) VCF-style: chr14-105196401-C-A.
Other names: c.-556C>A (NM_001320424.1); c.172C>A, p.Pro58Thr (NM_199165.2); c.172C>A (NM_199165.1); short protein forms P58T.
Identifiers: ClinVar variation 1907851 (VCV001907851.3), dbSNP rs759493680, ClinGen allele CA7373520.

ClinVar aggregate classification (germline): Uncertain significance. Review status: criteria provided, multiple submitters, no conflicts (2 of 4 stars). 2 submissions from 2 submitters: Uncertain significance (2). Last evaluated 2024-10-01.

Conditions:
Inborn genetic diseases. Identifiers: MedGen C0950123, MeSH D030342.

Allele frequency attached by ClinVar (database versions not stated): TOPMed 0.00002; ExAC 0.00004; gnomAD 0.00005.
gnomAD v4.1: 29 of 1,564,820 alleles (0.0019%); highest among the groups gnomAD compares: Non-Finnish European, 0.0025%; no homozygotes.

Submissions (2):

Ambry Genetics
Classification: Uncertain significance for Inborn genetic diseases. Last evaluated: 2024-10-01. Review status: criteria provided, single submitter. Criteria: Ambry Variant Classification Scheme 2023. Collection method: clinical testing. Allele origin: germline.

Labcorp Genetics (formerly Invitae), Labcorp
Classification: Uncertain significance. Last evaluated: 2022-05-06. Review status: criteria provided, single submitter. Criteria: Invitae Variant Classification Sherloc (09022015). Collection method: clinical testing. Allele origin: germline.
Comment: This sequence change replaces proline, which is neutral and non-polar, with threonine, which is neutral and polar, at codon 58 of the ADSSL1 protein (p.Pro58Thr). The frequency data for this variant in the population databases is considered unreliable, as metrics indicate poor data quality at this position in the gnomAD database. This variant has not been reported in the literature in individuals affected with ADSSL1-related conditions. Experimental studies and prediction algorithms are not available or were not evaluated, and the functional significance of this variant is currently unknown. In summary, the available evidence is currently insufficient to determine the role of this variant in disease. Therefore, it has been classified as a Variant of Uncertain Significance.